The following is an entry in ClinVar:

ClinVar aggregate classification (germline): Uncertain significance (1 of 4 stars; one submission).

Conditions:
Arrhythmogenic right ventricular dysplasia 9 (ARVD9). Also called: ARRHYTHMOGENIC RIGHT VENTRICULAR DYSPLASIA, FAMILIAL, 9; Arrhythmogenic Right Ventricular Dysplasia/Cardiomyopathy 9. Identifiers: MedGen C1836906, MONDO:0012180, OMIM 609040.

Submission:

Labcorp Genetics (formerly Invitae), Labcorp
Classification: Uncertain significance for Arrhythmogenic right ventricular dysplasia 9. Last evaluated: 2024-11-27. Review status: criteria provided, single submitter. Criteria: Invitae Variant Classification Sherloc (09022015). Collection method: clinical testing. Allele origin: germline.
Comment: This sequence change replaces serine, which is neutral and polar, with asparagine, which is neutral and polar, at codon 467 of the PKP2 protein (p.Ser467Asn). This variant is not present in population databases (gnomAD no frequency). This variant has not been reported in the literature in individuals affected with PKP2-related conditions. An algorithm developed to predict the effect of missense changes on protein structure and function (PolyPhen-2) suggests that this variant¬†is likely to be tolerated. In summary, the available evidence is currently insufficient to determine the role of this variant in disease. Therefore, it has been classified as a Variant of Uncertain Significance.

NM_001005242.3(PKP2):c.1379-2087G>A

Gene: PKP2 (plakophilin 2; minus strand). Cytogenetic location: 12p11.21.
Variant type: single nucleotide variant.
Coding change: c.1379-2087G>A on transcript NM_001005242.3 (MANE Select); 2087 bases into the intron before coding-DNA position 1379, G replaced by A.
Molecular consequence: intron variant. On other transcripts: missense variant (2).
Genome position (GRCh38, 1-based): chr12:32,843,292, C>T on the plus strand (G>A on the coding strand, the complement: PKP2 is on the minus strand). VCF-style: chr12-32843292-C-T. GRCh37 (hg19) VCF-style: chr12-32996226-C-T.
Other names: c.1400G>A, p.Ser467Asn (NM_001407157.1, NM_004572.4); c.1379-2087G>A (NM_001407156.1, NM_001407155.1, NM_001407161.1); c.1052-2087G>A (NM_001407160.1, NM_001407159.1, NM_001407158.1 and 1 more transcripts); short protein forms S467N.
Identifiers: ClinVar variation 3630527 (VCV003630527.1).